The following is an entry in ClinVar:

ClinVar aggregate classification (germline): Conflicting classifications of pathogenicity. Review status: criteria provided, conflicting classifications (1 of 4 stars). 3 submissions from 3 submitters: Likely pathogenic (2); Uncertain significance (1). Last evaluated 2025-01-20.

Conditions:
Microcephaly 2, primary, autosomal recessive, with or without cortical malformations. Also called: MICROCEPHALY 2, PRIMARY, AUTOSOMAL RECESSIVE, WITH CORTICAL MALFORMATIONS; WDR62 Primary Microcephaly. Identifiers: Orphanet 2512, MedGen C1858535, MONDO:0011435, OMIM 604317.

Allele frequency attached by ClinVar (database versions not stated): TOPMed below 0.00001.

Submissions (3):

Labcorp Genetics (formerly Invitae), Labcorp
Classification: Uncertain significance. Last evaluated: 2025-01-20. Review status: criteria provided, single submitter. Criteria: Invitae Variant Classification Sherloc (09022015). Collection method: clinical testing. Allele origin: germline.
Comment: This sequence change replaces arginine, which is basic and polar, with cysteine, which is neutral and slightly polar, at codon 438 of the WDR62 protein (p.Arg438Cys). This variant is not present in population databases (gnomAD no frequency). This variant has not been reported in the literature in individuals affected with WDR62-related conditions. ClinVar contains an entry for this variant (Variation ID: 160246). Invitae Evidence Modeling of protein sequence and biophysical properties (such as structural, functional, and spatial information, amino acid conservation, physicochemical variation, residue mobility, and thermodynamic stability) indicates that this missense variant is expected to disrupt WDR62 protein function with a positive predictive value of 80%. This variant disrupts the p.Arg438 amino acid residue in WDR62. Other variant(s) that disrupt this residue have been determined to be pathogenic (PMID: 10573015, 20890279, 21961505, 22775483, 24228726). This suggests that this residue is clinically significant, and that variants that disrupt this residue are likely to be disease-causing. In summary, the available evidence is currently insufficient to determine the role of this variant in disease. Therefore, it has been classified as a Variant of Uncertain Significance.

3billion
Classification: Likely pathogenic for Microcephaly 2, primary, autosomal recessive, with or without cortical malformations. Last evaluated: 2024-06-10. Review status: criteria provided, single submitter. Criteria: ACMG Guidelines, 2015. Collection method: clinical testing. Allele origin: germline. Affected: yes.
Comment: The variant is not observed in the gnomAD v4.0.0 dataset. Predicted Consequence/Location: Missense variant In silico tool predictions suggest damaging effect of the variant on gene or gene product [REVEL: 0.62 (>=0.6, sensitivity 0.68 and specificity 0.92)]. The same nucleotide change resulting in the same amino acid change has been previously reported to be associated with WDR62 related disorder (ClinVar ID: VCV000160246). A different missense change at the same codon (p.Arg438His) has been reported as pathogenic/likely pathogenic with strong evidence (ClinVar ID: VCV000031035 /PMID: 20890279, VCV000031035.5). Therefore, this variant is classified as Likely pathogenic according to the recommendation of ACMG/AMP guideline.

Genetic Services Laboratory, University of Chicago
Classification: Likely pathogenic for Microcephaly 2, primary, autosomal recessive, with or without cortical malformations. Last evaluated: 2013-02-08. Review status: criteria provided, single submitter. Criteria: ACMG Guidelines, 2007. Collection method: clinical testing. Allele origin: germline. Inheritance: Autosomal recessive inheritance. Affected: yes.

Literature cited by the submitters: PubMed 10573015 (cited by Labcorp Genetics (formerly Invitae), Labcorp); PubMed 20890279 (cited by Labcorp Genetics (formerly Invitae), Labcorp and 3billion); PubMed 21961505 (cited by Labcorp Genetics (formerly Invitae), Labcorp); PubMed 22775483 (cited by Labcorp Genetics (formerly Invitae), Labcorp); PubMed 24228726 (cited by Labcorp Genetics (formerly Invitae), Labcorp).

NM_001083961.2(WDR62):c.1312C>T (p.Arg438Cys)

Gene: WDR62 (WD repeat domain 62; plus strand). Cytogenetic location: 19q13.12.
Variant type: single nucleotide variant.
Coding change: c.1312C>T on transcript NM_001083961.2 (MANE Select); coding-DNA position 1312, C replaced by T.
Protein change: p.Arg438Cys; replaces arginine 438 with cysteine.
Molecular consequence: missense variant.
Genome position (GRCh38, 1-based): chr19:36,081,511, C>T. VCF-style: chr19-36081511-C-T. GRCh37 (hg19) VCF-style: chr19-36572413-C-T.
Other names: c.1312C>T, p.Arg438Cys (NM_173636.5); short protein forms R438C.
Identifiers: ClinVar variation 160246 (VCV000160246.9), dbSNP rs587784542, ClinGen allele CA272754.